The following is an entry in ClinVar:

ClinVar aggregate classification (germline): Uncertain significance (1 of 4 stars; one submission).

Conditions:
Episodic ataxia type 2 (EA2). Also called: ATAXIA, EPISODIC, WITH NYSTAGMUS; ATAXIA, FAMILIAL PAROXYSMAL; ACETAZOLAMIDE-RESPONSIVE HEREDITARY PAROXYSMAL CEREBELLAR ATAXIA; CEREBELLAR ATAXIA, PAROXYSMAL, ACETAZOLAMIDE-RESPONSIVE; CEREBELLOPATHY, HEREDITARY PAROXYSMAL; EPISODIC ATAXIA, NYSTAGMUS-ASSOCIATED. Identifiers: Orphanet 97, MedGen C1720416, MONDO:0007163, OMIM 108500.
Developmental and epileptic encephalopathy, 42 (DEE42A). Also called: Epileptic encephalopathy, early infantile, 42; DEVELOPMENTAL AND EPILEPTIC ENCEPHALOPATHY 42A; EPILEPTIC ENCEPHALOPATHY, EARLY INFANTILE, 42A. Identifiers: MedGen C4310716, MONDO:0014917, OMIM 617106.

Submission:

Labcorp Genetics (formerly Invitae), Labcorp
Classification: Uncertain significance for Developmental and epileptic encephalopathy, 42; Episodic ataxia type 2. Last evaluated: 2024-05-15. Review status: criteria provided, single submitter. Criteria: Invitae Variant Classification Sherloc (09022015). Collection method: clinical testing. Allele origin: germline.
Comment: This sequence change replaces valine, which is neutral and non-polar, with alanine, which is neutral and non-polar, at codon 1302 of the CACNA1A protein (p.Val1302Ala). This variant is not present in population databases (gnomAD no frequency). This variant has not been reported in the literature in individuals affected with CACNA1A-related conditions. Advanced modeling of protein sequence and biophysical properties (such as structural, functional, and spatial information, amino acid conservation, physicochemical variation, residue mobility, and thermodynamic stability) has been performed at Invitae for this missense variant, however the output from this modeling did not meet the statistical confidence thresholds required to predict the impact of this variant on CACNA1A protein function. In summary, the available evidence is currently insufficient to determine the role of this variant in disease. Therefore, it has been classified as a Variant of Uncertain Significance.

NM_001127222.2(CACNA1A):c.3902T>C (p.Val1301Ala)

Genes: CACNA1A (calcium voltage-gated channel subunit alpha1 A; minus strand), LOC126862865 (CDK7 strongly-dependent group 2 enhancer GRCh37_chr19:13385818-13387017; plus strand). Cytogenetic location: 19p13.13.
Variant type: single nucleotide variant.
Coding change: c.3902T>C on transcript NM_001127222.2 (MANE Select); coding-DNA position 3902, T replaced by C.
Protein change: p.Val1301Ala; replaces valine 1301 with alanine.
Molecular consequence: missense variant.
Genome position (GRCh38, 1-based): chr19:13,275,937, A>G on the plus strand (T>C on the coding strand, the complement: CACNA1A is on the minus strand). VCF-style: chr19-13275937-A-G. GRCh37 (hg19) VCF-style: chr19-13386751-A-G.
Other names: c.3914T>C, p.Val1305Ala (NM_000068.4, NM_023035.3); c.3905T>C, p.Val1302Ala (NM_001127221.2, NM_001174080.2); short protein forms V1301A, V1302A, V1305A.
Identifiers: ClinVar variation 3754158 (VCV003754158.2).
Genomic context (GRCh38, chr19:13,275,937, plus strand): 5'-CTGACCACTATGAAGTCGAGAATATTCCAGAGGTCACGGAAGTAGGCACCCTGATGCAGG[A>G]CGAGCCCCAGGTCAATCATCTGTGGGGGAGAAGAGAGGGTGCTCAGAACCCCCACCTGAT-3'
Protein context (NP_001120694.1, residues 1291-1311): MVIKMIDLGL[Val1301Ala]LHQGAYFRDL